The following is an entry in ClinVar:

NM_004369.4(COL6A3):c.7007C>T (p.Pro2336Leu)

Gene: COL6A3 (collagen type VI alpha 3 chain; minus strand). Cytogenetic location: 2q37.3.
Variant type: single nucleotide variant.
Coding change: c.7007C>T on transcript NM_004369.4 (MANE Select); coding-DNA position 7007, C replaced by T.
Protein change: p.Pro2336Leu; replaces proline 2336 with leucine.
Molecular consequence: missense variant.
Genome position (GRCh38, 1-based): chr2:237,347,829, G>A on the plus strand (C>T on the coding strand, the complement: COL6A3 is on the minus strand). VCF-style: chr2-237347829-G-A. GRCh37 (hg19) VCF-style: chr2-238256472-G-A.
Other names: c.5186C>T, p.Pro1729Leu (NM_057166.5); c.6389C>T, p.Pro2130Leu (NM_057167.4); short protein forms P2130L, P1729L.
Identifiers: ClinVar variation 166938 (VCV000166938.29), dbSNP rs202092407, ClinGen allele CA204818.

ClinVar aggregate classification (germline): Conflicting classifications of pathogenicity. Review status: criteria provided, conflicting classifications (1 of 4 stars). 6 submissions from 6 submitters: Uncertain significance (1); Benign (2); Likely benign (2). 1 of the submissions does not count toward it. Last evaluated 2026-09-01.

Conditions:
COL6A3-related disorder. Also called: COL6A3-related disorders; COL6A3-related condition.
Inborn genetic diseases. Identifiers: MedGen C0950123, MeSH D030342.
Bethlem myopathy 1A. Also called: Bethlem Muscular Dystrophy; Bethlem myopathy 1; MYOPATHY, BENIGN CONGENITAL, WITH CONTRACTURES. Identifiers: Orphanet 610, MedGen CN029274, MONDO:0024530, OMIM 158810.

Allele frequency attached by ClinVar (database versions not stated): TOPMed 0.00092; 1000 Genomes Project 30x 0.00031; 1000 Genomes Project 0.00040; gnomAD 0.00096.
gnomAD v4.1: 782 of 1,611,398 alleles (0.049%); highest among the groups gnomAD compares: Admixed American, 1.3%; 10 homozygotes.

Submissions (6):

CeGaT Center for Human Genetics Tuebingen
Classification: Likely benign. Last evaluated: 2026-09-01. Review status: criteria provided, single submitter. Criteria: CeGaT Center For Human Genetics Tuebingen Variant Classification Criteria Version 2. Collection method: clinical testing. Allele origin: germline. Affected: yes. Observed: 4 variant alleles.
Comment: COL6A3: BS1

Labcorp Genetics (formerly Invitae), Labcorp
Classification: Benign for Bethlem myopathy 1A. Last evaluated: 2026-02-01. Review status: criteria provided, single submitter. Criteria: Invitae Variant Classification Sherloc (09022015). Collection method: clinical testing. Allele origin: germline.

GeneDx
Classification: Benign. Last evaluated: 2018-05-18. Review status: criteria provided, single submitter. Criteria: GeneDx Variant Classification Process June 2021. Collection method: clinical testing. Allele origin: germline. Affected: yes.

Eurofins Ntd Llc (ga)
Classification: Likely benign. Last evaluated: 2015-07-28. Review status: criteria provided, single submitter. Criteria: EGL Classification Definitions 2015. Collection method: clinical testing. Allele origin: germline. Observed: 2 variant alleles, 2 heterozygotes.

Ambry Genetics
Classification: Uncertain significance for Inborn genetic diseases. Last evaluated: 2013-10-08. Review status: criteria provided, single submitter. Criteria: Ambry Autosomal Dominant and X-Linked criteria (10/2015). Collection method: clinical testing. Allele origin: germline. Observed: 1 variant allele.
Comment: There is insufficient or conflicting evidence for classification of this alteration.

PreventionGenetics, part of Exact Sciences
Classification: Likely benign for COL6A3-related condition. Last evaluated: 2019-06-06. Review status: no assertion criteria provided. Collection method: clinical testing. Allele origin: germline. Not counted in ClinVar's aggregate classification.
Comment: This variant is classified as likely benign based on ACMG/AMP sequence variant interpretation guidelines (Richards et al. 2015 PMID: 25741868, with internal and published modifications).